The following is an entry in ClinVar:

ClinVar aggregate classification (germline): Benign/Likely benign. Review status: criteria provided, multiple submitters, no conflicts (2 of 4 stars). 4 submissions from 4 submitters: Benign (1); Likely benign (3). Last evaluated 2024-04-15.

Conditions:
Hereditary cancer-predisposing syndrome. Also called: Hereditary neoplastic syndrome; Neoplastic Syndromes, Hereditary; Tumor predisposition; Hereditary Cancer Syndrome. Identifiers: Orphanet 140162, MedGen C0027672, MeSH D009386, MONDO:0015356.
Familial adenomatous polyposis 1 (FAP1). Also called: FAMILIAL ADENOMATOUS POLYPOSIS 1, ATTENUATED; POLYPOSIS, ADENOMATOUS INTESTINAL. Identifiers: MedGen C2713442, MONDO:0021056, OMIM 175100. Disease mechanism: loss of function.

Allele frequency attached by ClinVar (database versions not stated): gnomAD 0.00001.
gnomAD v4.1: 5 of 1,605,928 alleles (0.00031%); highest among the groups gnomAD compares: Non-Finnish European, 0.00043%; no homozygotes.

Submissions (4):

Myriad Genetics, Inc.
Classification: Benign for Familial adenomatous polyposis 1. Last evaluated: 2024-04-15. Review status: criteria provided, single submitter. Criteria: Myriad Autosomal Dominant, Autosomal Recessive and X-Linked Classification Criteria (2023). Collection method: clinical testing. Allele origin: unknown.
Comment: This variant is considered benign. This variant is a silent/synonymous amino acid change and it is not expected to impact splicing.

Labcorp Genetics (formerly Invitae), Labcorp
Classification: Likely benign for Familial adenomatous polyposis 1. Last evaluated: 2023-05-30. Review status: criteria provided, single submitter. Criteria: Invitae Variant Classification Sherloc (09022015). Collection method: clinical testing. Allele origin: germline.

Ambry Genetics
Classification: Likely benign for Hereditary cancer-predisposing syndrome. Last evaluated: 2017-02-03. Review status: criteria provided, single submitter. Criteria: Ambry Variant Classification Scheme 2023. Collection method: clinical testing. Allele origin: germline.

Color Diagnostics, LLC DBA Color Health
Classification: Likely benign for Hereditary cancer-predisposing syndrome. Last evaluated: 2016-10-24. Review status: criteria provided, single submitter. Criteria: ACMG Guidelines, 2015. Collection method: clinical testing. Allele origin: germline.

NM_000038.6(APC):c.8367C>T (p.Ser2789=)

Gene: APC (APC regulator of Wnt signaling pathway; plus strand). Cytogenetic location: 5q22.2.
Variant type: single nucleotide variant.
Coding change: c.8367C>T on transcript NM_000038.6 (MANE Select); coding-DNA position 8367, C replaced by T.
Protein change: p.Ser2789=; no amino-acid change (serine 2789 retained).
Molecular consequence: synonymous variant.
Genome position (GRCh38, 1-based): chr5:112,843,961, C>T. VCF-style: chr5-112843961-C-T. GRCh37 (hg19) VCF-style: chr5-112179658-C-T.
Other names: c.8367C>T, p.Ser2789= (NM_001127510.3, NM_001354895.2); c.8313C>T, p.Ser2771= (NM_001127511.3); c.8421C>T, p.Ser2807= (NM_001354896.2); c.8397C>T, p.Ser2799= (NM_001354897.2); c.8292C>T, p.Ser2764= (NM_001354898.2); c.8283C>T, p.Ser2761= (NM_001354899.2); c.8244C>T, p.Ser2748= (NM_001354900.2); c.8190C>T, p.Ser2730= (NM_001354901.2); and 5 more.
Identifiers: ClinVar variation 184457 (VCV000184457.20), dbSNP rs786201474, ClinGen allele CA015418.